The following is an entry in ClinVar:

ClinVar aggregate classification (germline): Likely benign (0 of 4 stars; one submission).

Conditions:
TSEN15-related disorder. Also called: TSEN15-related condition.

Allele frequency attached by ClinVar (database versions not stated): gnomAD exomes below 0.00001; TOPMed below 0.00001; gnomAD 0.00001.

Submission:

PreventionGenetics, part of Exact Sciences
Classification: Likely benign for TSEN15-related condition. Last evaluated: 2019-05-23. Review status: no assertion criteria provided. Collection method: clinical testing. Allele origin: germline.
Comment: This variant is classified as likely benign based on ACMG/AMP sequence variant interpretation guidelines (Richards et al. 2015 PMID: 25741868, with internal and published modifications).

NM_052965.4(TSEN15):c.-5C>T

Genes: TSEN15 (tRNA splicing endonuclease subunit 15; plus strand), LOC112577522 (Sharpr-MPRA regulatory region 13835; plus strand). Cytogenetic location: 1q25.3.
Variant type: single nucleotide variant.
Coding change: c.-5C>T on transcript NM_052965.4 (MANE Select); 5 bases upstream of the start codon, C replaced by T.
Molecular consequence: 5 prime UTR variant. On other transcripts: non-coding transcript variant (2).
Genome position (GRCh38, 1-based): chr1:184,051,751, C>T. VCF-style: chr1-184051751-C-T. GRCh37 (hg19) VCF-style: chr1-184020885-C-T.
Other names: c.-5C>T (NM_001127394.4, NM_001300764.2, NM_001300766.2 and 1 more transcripts).
Identifiers: ClinVar variation 3038526 (VCV003038526.2), dbSNP rs1373388521, ClinGen allele CA527630684.
Genomic context (GRCh38, chr1:184,051,751, plus strand): 5'-CGCGCGCCGCTGCTTCTGGCCGGGCGCGGGTCGTGGTGCACCACGGGAGCGCCGCACCGG[C>T]CGGCATGGAGGAGCGCGGCGATTCCGAGCCGACCCCCGGCTGCAGCGGCCTGGGTCCGGG-3'